The following is an entry in ClinVar:

ClinVar aggregate classification (germline): Uncertain significance (1 of 4 stars; one submission).

Conditions:
ZEB2-related disorder. Also called: ZEB2-related condition.

Submission:

PreventionGenetics, part of Exact Sciences
Classification: Uncertain significance for ZEB2-related condition. Last evaluated: 2022-12-15. Review status: criteria provided, single submitter. Criteria: ACMG Guidelines, 2015. Collection method: clinical testing. Allele origin: germline.
Comment: The ZEB2 c.2644C>T variant is predicted to result in the amino acid substitution p.Pro882Ser. To our knowledge, this variant has not been reported in the literature or in a large population database, indicating this variant is rare. At this time, the clinical significance of this variant is uncertain due to the absence of conclusive functional and genetic evidence.

NM_014795.4(ZEB2):c.2644C>T (p.Pro882Ser)

Gene: ZEB2 (zinc finger E-box binding homeobox 2; minus strand). Cytogenetic location: 2q22.3.
Variant type: single nucleotide variant.
Coding change: c.2644C>T on transcript NM_014795.4 (MANE Select); coding-DNA position 2644, C replaced by T.
Protein change: p.Pro882Ser; replaces proline 882 with serine.
Molecular consequence: missense variant.
Genome position (GRCh38, 1-based): chr2:144,398,543, G>A on the plus strand (C>T on the coding strand, the complement: ZEB2 is on the minus strand). VCF-style: chr2-144398543-G-A. GRCh37 (hg19) VCF-style: chr2-145156110-G-A.
Other names: c.2572C>T, p.Pro858Ser (NM_001171653.2); short protein forms P858S, P882S.
Identifiers: ClinVar variation 2629688 (VCV002629688.1), dbSNP rs2549105794, ClinGen allele CA348707625.
Genomic context (GRCh38, chr2:144,398,543, plus strand): 5'-TTTGAGGTGGAAGAGCTGTGTATAAAGGTTTGGCACTAAATGGGTTCATGCTGAACACTG[G>A]GTTAGTGCTTTTGTTGTCCAGATTATTTGAATTTGAAAATTCCTTCTTGATAAAAGTCAA-3'
Protein context (NP_055610.1, residues 872-892): SNNLDNKSTN[Pro882Ser]VFSMNPFSAK